The following is an entry in ClinVar:

NM_030650.3(LNPK):c.888T>C (p.Phe296=)

Gene: LNPK (lunapark, ER junction formation factor; minus strand). Cytogenetic location: 2q31.1.
Variant type: single nucleotide variant.
Coding change: c.888T>C on transcript NM_030650.3 (MANE Select); coding-DNA position 888, T replaced by C.
Protein change: p.Phe296=; no amino-acid change (phenylalanine 296 retained).
Molecular consequence: synonymous variant. On other transcripts: non-coding transcript variant (1).
Genome position (GRCh38, 1-based): chr2:175,937,510, A>G on the plus strand (T>C on the coding strand, the complement: LNPK is on the minus strand). VCF-style: chr2-175937510-A-G. GRCh37 (hg19) VCF-style: chr2-176802238-A-G.
Other names: c.981T>C, p.Phe327= (NM_001305009.1); c.894T>C, p.Phe298= (NM_001305010.1); c.1086T>C, p.Phe362= (NM_001305008.1); c.519T>C, p.Phe173= (NM_001305011.2).
Identifiers: ClinVar variation 3032918 (VCV003032918.2), dbSNP rs554332202, ClinGen allele CA1975856.
Genomic context (GRCh38, chr2:175,937,510, plus strand): 5'-TCTTGGAGCCTGAGGTCTGGTTTTTCTTGCAGGGTTCAAGAAAAAACAGTAGGCACATCG[A>G]AAAGCTGCAGAGAATTTTTTAAAAATAAGCAAAACCACAAACCAAGCAAAGTTCAAGAAC-3'
Protein context (NP_085153.1, residues 286-306): ALKEEFEYIA[Phe296=]RCAYCFFLNP

ClinVar aggregate classification (germline): Likely benign (0 of 4 stars; one submission).

Conditions:
LNPK-related disorder. Also called: LNPK-related condition.

Allele frequency attached by ClinVar (database versions not stated): gnomAD exomes 0.00001; TOPMed 0.00001; gnomAD 0.00004; ExAC 0.00005; 1000 Genomes Project 30x 0.00031; 1000 Genomes Project 0.00040.
gnomAD v4.1: 17 of 1,607,488 alleles (0.0011%); highest among the groups gnomAD compares: East Asian, 0.038%; no homozygotes.

Submission:

PreventionGenetics, part of Exact Sciences
Classification: Likely benign for LNPK-related condition. Last evaluated: 2020-10-01. Review status: no assertion criteria provided. Collection method: clinical testing. Allele origin: germline.
Comment: This variant is classified as likely benign based on ACMG/AMP sequence variant interpretation guidelines (Richards et al. 2015 PMID: 25741868, with internal and published modifications).